The following is an entry in ClinVar:

ClinVar aggregate classification (germline): Benign/Likely benign. Review status: criteria provided, multiple submitters, no conflicts (2 of 4 stars). 3 submissions from 3 submitters: Benign (2); Likely benign (1). Last evaluated 2026-01-19.

Allele frequency attached by ClinVar (database versions not stated): gnomAD below 0.00001 and 0.00011; TOPMed 0.00002; 1000 Genomes Project 30x 0.00016; gnomAD exomes 0.00017 and 0.00033; 1000 Genomes Project 0.00020; ExAC 0.00030.
gnomAD v4.1: 264 of 1,614,178 alleles (0.016%); highest among the groups gnomAD compares: South Asian, 0.26%; 7 homozygotes.

Submissions (3):

Labcorp Genetics (formerly Invitae), Labcorp
Classification: Benign. Last evaluated: 2026-01-19. Review status: criteria provided, single submitter. Criteria: Invitae Variant Classification Sherloc (09022015). Collection method: clinical testing. Allele origin: germline.

CeGaT Center for Human Genetics Tuebingen
Classification: Likely benign. Last evaluated: 2025-07-01. Review status: criteria provided, single submitter. Criteria: CeGaT Center For Human Genetics Tuebingen Variant Classification Criteria Version 2. Collection method: clinical testing. Allele origin: germline. Affected: yes. Observed: 1 variant allele.
Comment: LONP1: BP4, BP7

Breakthrough Genomics
Classification: Benign. Review status: criteria provided, single submitter. Criteria: ACMG Guidelines, 2015. Collection method: not provided. Allele origin: germline. Inheritance: Autosomal recessive inheritance. Affected: yes.

NM_004793.4(LONP1):c.1491C>G (p.Val497=)

Gene: LONP1 (lon peptidase 1, mitochondrial; minus strand). Cytogenetic location: 19p13.3.
Variant type: single nucleotide variant.
Coding change: c.1491C>G on transcript NM_004793.4 (MANE Select); coding-DNA position 1491, C replaced by G.
Protein change: p.Val497=; no amino-acid change (valine 497 retained).
Molecular consequence: synonymous variant. On other transcripts: non-coding transcript variant (1).
Genome position (GRCh38, 1-based): chr19:5,700,804, G>C on the plus strand (C>G on the coding strand, the complement: LONP1 is on the minus strand). VCF-style: chr19-5700804-G-C. GRCh37 (hg19) VCF-style: chr19-5700815-G-C.
Other names: c.1299C>G, p.Val433= (NM_001276479.2); c.903C>G, p.Val301= (NM_001276480.1).
Identifiers: ClinVar variation 759926 (VCV000759926.18), dbSNP rs561481182, ClinGen allele CA9114674.